The following is an entry in ClinVar:

ClinVar aggregate classification (germline): Likely benign. Review status: criteria provided, single submitter (1 of 4 stars). 2 submissions from 2 submitters: Likely benign (1). 1 of the submissions does not count toward it. Last evaluated 2025-12-24.

Conditions:
RNF113A-related disorder. Also called: RNF113A-related condition.

Allele frequency attached by ClinVar (database versions not stated): gnomAD 0.00012; TOPMed 0.00018; ESP Exome Variant Server 0.00019; ExAC 0.00027.

Submissions (2):

Labcorp Genetics (formerly Invitae), Labcorp
Classification: Likely benign. Last evaluated: 2025-12-24. Review status: criteria provided, single submitter. Criteria: Invitae Variant Classification Sherloc (09022015). Collection method: clinical testing. Allele origin: germline.

PreventionGenetics, part of Exact Sciences
Classification: Likely benign for RNF113A-related condition. Last evaluated: 2019-04-04. Review status: no assertion criteria provided. Collection method: clinical testing. Allele origin: germline. Not counted in ClinVar's aggregate classification.
Comment: This variant is classified as likely benign based on ACMG/AMP sequence variant interpretation guidelines (Richards et al. 2015 PMID: 25741868, with internal and published modifications).

NM_006978.3(RNF113A):c.264A>G (p.Glu88=)

Gene: RNF113A (ring finger protein 113A; minus strand). Cytogenetic location: Xq24.
Variant type: single nucleotide variant.
Coding change: c.264A>G on transcript NM_006978.3 (MANE Select); coding-DNA position 264, A replaced by G.
Protein change: p.Glu88=; no amino-acid change (glutamic acid 88 retained).
Molecular consequence: synonymous variant.
Genome position (GRCh38, 1-based): chrX:119,871,350, T>C on the plus strand (A>G on the coding strand, the complement: RNF113A is on the minus strand). VCF-style: chrX-119871350-T-C. GRCh37 (hg19) VCF-style: chrX-119005313-T-C.
Identifiers: ClinVar variation 779484 (VCV000779484.12), dbSNP rs199657887, ClinGen allele CA10503485.